The following is an entry in ClinVar:

ClinVar aggregate classification (germline): Pathogenic/Likely pathogenic. Review status: criteria provided, multiple submitters, no conflicts (2 of 4 stars). 9 submissions from 9 submitters: Pathogenic (2); Likely pathogenic (5). 2 of the submissions do not count toward it. Last evaluated 2026-01-05.

Conditions:
Baraitser-winter syndrome 2. Identifiers: Orphanet 2995, MedGen C3281235, MONDO:0013812, OMIM 614583.
Autosomal dominant nonsyndromic hearing loss 20. Identifiers: Orphanet 90635, MedGen C1858172, MONDO:0011480, OMIM 604717.
Rare genetic deafness. Identifiers: Orphanet 96210, MedGen C5680250.
Hearing impairment. Also called: Impaired Hearing. Identifiers: MedGen C1384666, MONDO:0005365, HP:0000365.

Allele frequency attached by ClinVar (database versions not stated): TOPMed below 0.00001; gnomAD exomes below 0.00001.

Submissions (9):

Variantyx, Inc.
Classification: Likely pathogenic for Autosomal dominant nonsyndromic hearing loss 20. Last evaluated: 2026-01-05. Review status: criteria provided, single submitter. Criteria: Variantyx Assertion Criteria 2022. Collection method: clinical testing. Allele origin: germline. Inheritance: Autosomal dominant inheritance. Affected: yes.
Comment: This is a nonsynonymous variant in the ACTG1 gene (OMIM: 102560). Pathogenic variants in this gene have been associated with autosomal dominant deafness 20/26. This variant has been reported in several affected individual (PMID: 19477959, 25792668) (PS4) and observed to segregate with disease in at least 4 individuals from 2 families (PMID: 19477959, 25792668) (PP1). Functional studies have shown that this variant alters ACTG1 protein function (PMID: 19477959) (PS3), and multiple computational algorithms predict a deleterious effect for this variant (REVEL score: 0.893) (PP3). Moreover, the variant lies within a known hotspot for pathogenic variants or a well-established critical functional domain of the ACTG1 protein (PMID: 26832775, 11474115, 19477959) (PM1). This variant has a 0.0001% maximum allele frequency in non-founder control populations (PM2). Based on the current evidence, this variant is classified as likely pathogenic for autosomal dominant deafness 20/26.

Labcorp Genetics (formerly Invitae), Labcorp
Classification: Pathogenic for Baraitser-winter syndrome 2; Autosomal dominant nonsyndromic hearing loss 20. Last evaluated: 2024-12-19. Review status: criteria provided, single submitter. Criteria: Invitae Variant Classification Sherloc (09022015). Collection method: clinical testing. Allele origin: germline.
Comment: This sequence change replaces glutamic acid, which is acidic and polar, with lysine, which is basic and polar, at codon 241 of the ACTG1 protein (p.Glu241Lys). This variant is not present in population databases (gnomAD no frequency). This missense change has been observed in individuals with autosomal dominant deafness (PMID: 19477959, 25792668). It has also been observed to segregate with disease in related individuals. ClinVar contains an entry for this variant (Variation ID: 18322). Invitae Evidence Modeling of protein sequence and biophysical properties (such as structural, functional, and spatial information, amino acid conservation, physicochemical variation, residue mobility, and thermodynamic stability) indicates that this missense variant is not expected to disrupt ACTG1 protein function with a negative predictive value of 80%. Experimental studies have shown that this missense change affects ACTG1 function (PMID: 19477959). For these reasons, this variant has been classified as Pathogenic.

GeneDx
Classification: Likely pathogenic. Last evaluated: 2021-05-26. Review status: criteria provided, single submitter. Criteria: GeneDx Variant Classification Process June 2021. Collection method: clinical testing. Allele origin: germline. Affected: yes.
Comment: Published functional studies demonstrate a damaging effect as yeast expressing E241K demonstrated impaired growth. E241K also influenced cell morphology and actin cytoskeletal patterns, leading to larger cell size and abnormal randomly distributed thick actin cables and patches as well as an aberrant multi-vacuolar pattern (Morin et al., 2009); Not observed in large population cohorts (Lek et al., 2016); In silico analysis supports that this missense variant has a deleterious effect on protein structure/function; Missense variants in this gene are often considered pathogenic (Stenson et al., 2014); This variant is associated with the following publications: (PMID: 27627659, 19477959, 25792668, 32341388)

Department of Otolaryngology – Head & Neck Surgery, Cochlear Implant Center
Classification: Likely pathogenic for Hearing impairment. Last evaluated: 2021-04-12. Review status: criteria provided, single submitter. Criteria: ClinGen HL ACMG Specifications v1. Collection method: clinical testing. Allele origin: germline. Affected: yes.
Comment: PS1_Strong, PM2_Moderate, PP3_Supporting

Laboratory for Molecular Medicine, Mass General Brigham Personalized Medicine
Classification: Likely pathogenic for Rare genetic deafness. Last evaluated: 2016-09-11. Review status: criteria provided, single submitter. Criteria: LMM Criteria. Collection method: clinical testing. Allele origin: germline. Inheritance: Autosomal dominant inheritance. Observed: 2 variant alleles.
Comment: The p.Glu241Lys variant in ACTG1 has been reported in 3 individuals with hearing loss, segregated in 5 relatives with hearing loss from 2 families (Morin 2009, Miyagawa 2015, LMM unpublished data), and was absent from large population studi es. Functional studies performed in yeast suggested that the variant may impact the hair cell's cytoskeletal structure (Morin 2009). Computational prediction to ols and conservation analyses suggest that this variant may impact the protein. In summary, although additional studies are required to fully establish its clin ical significance, this variant is likely pathogenic for autosomal dominant hear ing loss.

Precision Medicine Center, Zhengzhou University
Classification: Pathogenic for Autosomal dominant nonsyndromic hearing loss 20. Last evaluated: 2006-06-30. Review status: criteria provided, single submitter. Criteria: ClinGen HL ACMG Specifications v1. Collection method: clinical testing. Allele origin: paternal. Affected: yes.
Comment: PS1+PM2+PS4_supporting+PS3_supporting+PP3+PP1:The ACTG1 c.721G>A variant results in the same amino acid substitution as a previously established pathogenic variant(PMID:32341388)(PS1). It is absent or extremely rare in population databases (PM2). At least 2 probands with the variant (PMID: 19477959, 32341388)(PS4_Supporting). Supporting functional studies demonstrate impaired protein function (PMID:32341388) (PS3_Supporting). Multiple computational prediction tools support a deleterious effect (PP3); segregation in two affected relatives for dominant (PP1). According to the ACMG/AMP guidelines, this variant is classified as Pathogenic.

Baylor-Hopkins Center for Mendelian Genomics, Johns Hopkins University School of Medicine
Classification: Likely pathogenic for Autosomal dominant nonsyndromic hearing loss 20. Review status: criteria provided, single submitter. Criteria: ACMG Guidelines, 2015. Collection method: research. Allele origin: germline. Affected: yes. Observed: 2 variant alleles, 2 heterozygotes.

OMIM
Classification: Pathogenic for DEAFNESS, AUTOSOMAL DOMINANT 20. Last evaluated: 2009-08-15. Review status: no assertion criteria provided. Collection method: literature only. Allele origin: germline. Not counted in ClinVar's aggregate classification.

UniProtKB/Swiss-Prot
No classification provided. Review status: no classification provided. Collection method: not provided. Allele origin: not provided. Not counted in ClinVar's aggregate classification.

Literature cited by the submitters: PubMed 19477959 (cited by 6 submitters); PubMed 25792668 (cited by 3 submitters); PubMed 26832775 (cited by Variantyx, Inc.); PubMed 11474115 (cited by Variantyx, Inc.); PubMed 20301607 (cited by Department of Otolaryngology – Head & Neck Surgery, Cochlear Implant Center); PubMed 32341388 (cited by Precision Medicine Center, Zhengzhou University).

NM_001614.5(ACTG1):c.721G>A (p.Glu241Lys)

Gene: ACTG1 (actin gamma 1; minus strand). Cytogenetic location: 17q25.3.
Variant type: single nucleotide variant.
Coding change: c.721G>A on transcript NM_001614.5 (MANE Select); coding-DNA position 721, G replaced by A.
Protein change: p.Glu241Lys; replaces glutamic acid 241 with lysine.
Molecular consequence: missense variant. On other transcripts: non-coding transcript variant (1).
Genome position (GRCh38, 1-based): chr17:81,511,269, C>T on the plus strand (G>A on the coding strand, the complement: ACTG1 is on the minus strand). VCF-style: chr17-81511269-C-T. GRCh37 (hg19) VCF-style: chr17-79478295-C-T.
Other names: c.721G>A, p.Glu241Lys (NM_001199954.3); short protein forms E241K.
Identifiers: ClinVar variation 18322 (VCV000018322.16), dbSNP rs267606631, ClinGen allele CA219954.